The following is an entry in ClinVar:

ClinVar aggregate classification (germline): Pathogenic (1 of 4 stars; one submission).

Conditions:
Osteogenesis imperfecta type I (OI1). Also called: Lobstein disease; Classic Non-deforming Osteogenesis Imperfecta with Blue Sclerae; OI, TYPE I; OSTEOGENESIS IMPERFECTA TARDA; OSTEOGENESIS IMPERFECTA WITH BLUE SCLERAE; Osteogenesis imperfecta type 1. Identifiers: Orphanet 216796, Orphanet 666, MedGen C0023931, MONDO:0008146, OMIM 166200. Disease mechanism: loss of function.

Allele frequency attached by ClinVar (database versions not stated): TOPMed below 0.00001; gnomAD 0.00001.

Submission:

Labcorp Genetics (formerly Invitae), Labcorp
Classification: Pathogenic for Osteogenesis imperfecta type I. Last evaluated: 2022-02-24. Review status: criteria provided, single submitter. Criteria: Invitae Variant Classification Sherloc (09022015). Collection method: clinical testing. Allele origin: germline.
Comment: For these reasons, this variant has been classified as Pathogenic. This variant disrupts a region of the COL1A1 protein in which other variant(s) (p.Asp1446Glyfs*105) have been determined to be pathogenic (PMID: 27509835, 30886339). This suggests that this is a clinically significant region of the protein, and that variants that disrupt it are likely to be disease-causing. This frameshift has been observed in individual(s) with clinical features of osteogenesis imperfecta (Invitae). This variant is not present in population databases (gnomAD no frequency). This sequence change results in a frameshift in the COL1A1 gene (p.Asp1446Argfs*104). While this is not anticipated to result in nonsense mediated decay, it is expected to disrupt the last 19 amino acid(s) of the COL1A1 protein and extend the protein by 84 additional amino acid residues.

Literature cited by the submitters: PubMed 27509835; PubMed 30886339.

NM_000088.4(COL1A1):c.4335_4336del (p.Asp1446fs)

Gene: COL1A1 (collagen type I alpha 1 chain; minus strand). Cytogenetic location: 17q21.33.
Variant type: Deletion.
Coding change: c.4335_4336del on transcript NM_000088.4 (MANE Select); coding-DNA positions 4335 to 4336, 2 bases deleted (GG; older notation c.4335_4336delGG).
Protein change: p.Asp1446fs; shifts the reading frame from aspartic acid 1446.
Molecular consequence: frameshift variant.
Genome position (GRCh38, 1-based): chr17:50,185,561-50,185,562, CC deleted on the plus strand (GG on the coding strand, the reverse complement: COL1A1 is on the minus strand). VCF-style (leftmost placement, unchanged base first): chr17-50185560-TCC-T. GRCh37 (hg19) VCF-style: chr17-48262921-TCC-T.
Other names: short protein forms D1446fs.
Identifiers: ClinVar variation 1456461 (VCV001456461.8), dbSNP rs1906423537, ClinGen allele CA984452221.
Genomic context (GRCh38, chr17:50,185,560, plus strand): 5'-GTTTACAGGAAGCAGACAGGGCCAACGTCGAAGCCGAATTCCTGGTCTGGGGCACCAACG[TCC>T]AAGGGGGCCACATCGATGATGGGCAGGCGGGAGGTCTTGGTGGTTTTGTATTCAATCACT-3'